The following is an entry in ClinVar:

NM_176822.4(NLRP14):c.609C>A (p.Gly203=)

Gene: NLRP14 (NLR family pyrin domain containing 14; plus strand). Cytogenetic location: 11p15.4.
Variant type: single nucleotide variant.
Coding change: c.609C>A on transcript NM_176822.4 (MANE Select); coding-DNA position 609, C replaced by A.
Protein change: p.Gly203=; no amino-acid change (glycine 203 retained).
Molecular consequence: synonymous variant.
Genome position (GRCh38, 1-based): chr11:7,042,635, C>A. VCF-style: chr11-7042635-C-A. GRCh37 (hg19) VCF-style: chr11-7063866-C-A.
Identifiers: ClinVar variation 103353 (VCV000103353.2), dbSNP rs199475881, ClinGen allele CA230459.

ClinVar aggregate classification (germline): not provided (0 of 4 stars; one submission).

Allele frequency attached by ClinVar (database versions not stated): TOPMed 0.00002.
gnomAD v4.1: 3 of 1,614,078 alleles (0.00019%); highest among the groups gnomAD compares: African/African-American, 0.0027%; no homozygotes.

Submission:

Human Evolutionary Genetics, Institut Pasteur
No classification provided. Review status: no classification provided. Collection method: not provided. Allele origin: germline.
ClinVar note: Converted during submission from untested to not provided.